The following is an entry in ClinVar:

NM_007289.4(MME):c.1753G>A (p.Glu585Lys)

Gene: MME (membrane metalloendopeptidase; plus strand). Cytogenetic location: 3q25.2.
Variant type: single nucleotide variant.
Coding change: c.1753G>A on transcript NM_007289.4 (MANE Select); coding-DNA position 1753, G replaced by A.
Protein change: p.Glu585Lys; replaces glutamic acid 585 with lysine.
Molecular consequence: missense variant.
Genome position (GRCh38, 1-based): chr3:155,166,994, G>A. VCF-style: chr3-155166994-G-A. GRCh37 (hg19) VCF-style: chr3-154884783-G-A.
Other names: c.1753G>A, p.Glu585Lys (NM_000902.5, NM_001354642.2, NM_001354643.1 and 2 more transcripts); c.1753G>A (NM_007289.2); short protein forms E585K.
Identifiers: ClinVar variation 1013234 (VCV001013234.42), dbSNP rs757277227, ClinGen allele CA2675617.
Genomic context (GRCh38, chr3:155,166,994, plus strand): 5'-TTTAGTGCCCAGCAGTCCAACTCATTGAACTATGGGGGCATCGGCATGGTCATAGGACAC[G>A]AAATCACCCATGGCTTCGATGACAATGGTAAAGTGCAGTTGACATTTTCCTTTGGCTGAG-3'
Protein context (NP_009220.2, residues 575-595): YGGIGMVIGH[Glu585Lys]ITHGFDDNGR

ClinVar aggregate classification (germline): Uncertain significance. Review status: criteria provided, multiple submitters, no conflicts (2 of 4 stars). 3 submissions from 3 submitters: Uncertain significance (3). Last evaluated 2026-04-20.

Allele frequency attached by ClinVar (database versions not stated): gnomAD 0.00001; gnomAD exomes 0.00001 and 0.00002; ExAC 0.00002; TOPMed 0.00002.
gnomAD v4.1: 29 of 1,613,550 alleles (0.0018%); highest among the groups gnomAD compares: East Asian, 0.0045%; no homozygotes.

Submissions (3):

GeneDx
Classification: Uncertain significance. Last evaluated: 2026-04-20. Review status: criteria provided, single submitter. Criteria: GeneDx Variant Classification Process June 2021. Collection method: clinical testing. Allele origin: germline.
Comment: In silico analysis supports that this missense variant has a deleterious effect on protein structure/function; Has not been previously published as pathogenic or benign to our knowledge

CeGaT Center for Human Genetics Tuebingen
Classification: Uncertain significance. Last evaluated: 2024-08-01. Review status: criteria provided, single submitter. Criteria: CeGaT Center For Human Genetics Tuebingen Variant Classification Criteria Version 2. Collection method: clinical testing. Allele origin: germline. Affected: yes. Observed: 4 variant alleles.
Comment: MME: PM2:Supporting, PP3

Labcorp Genetics (formerly Invitae), Labcorp
Classification: Uncertain significance. Last evaluated: 2023-05-09. Review status: criteria provided, single submitter. Criteria: Invitae Variant Classification Sherloc (09022015). Collection method: clinical testing. Allele origin: germline.
Comment: Advanced modeling of protein sequence and biophysical properties (such as structural, functional, and spatial information, amino acid conservation, physicochemical variation, residue mobility, and thermodynamic stability) performed at Invitae indicates that this missense variant is expected to disrupt MME protein function. In summary, the available evidence is currently insufficient to determine the role of this variant in disease. Therefore, it has been classified as a Variant of Uncertain Significance. This variant is present in population databases (rs757277227, gnomAD 0.01%). This sequence change replaces glutamic acid, which is acidic and polar, with lysine, which is basic and polar, at codon 585 of the MME protein (p.Glu585Lys). This variant has not been reported in the literature in individuals affected with MME-related conditions. ClinVar contains an entry for this variant (Variation ID: 1013234).